The following is an entry in ClinVar:

ClinVar aggregate classification (germline): Likely benign (1 of 4 stars; one submission).

Conditions:
TNFRSF1A-related disorder. Also called: TNFRSF1A-related condition.

Submission:

PreventionGenetics, part of Exact Sciences
Classification: Likely benign for TNFRSF1A-related condition. Last evaluated: 2025-12-05. Review status: criteria provided, single submitter. Criteria: ACMG Guidelines, 2015. Collection method: clinical testing. Allele origin: germline.
Comment: This variant is classified as likely benign based on ACMG/AMP sequence variant interpretation guidelines (Richards et al. 2015 PMID: 25741868, with internal and published modifications).

NM_001065.4(TNFRSF1A):c.-91T>C

Genes: TNFRSF1A (TNF receptor superfamily member 1A; minus strand), LOC130007233 (ATAC-STARR-seq lymphoblastoid active region 5850; plus strand). Cytogenetic location: 12p13.31.
Variant type: single nucleotide variant.
Coding change: c.-91T>C on transcript NM_001065.4 (MANE Select); 91 bases upstream of the start codon, T replaced by C.
Molecular consequence: 5 prime UTR variant. On other transcripts: non-coding transcript variant (1).
Genome position (GRCh38, 1-based): chr12:6,341,905, A>G on the plus strand (T>C on the coding strand, the complement: TNFRSF1A is on the minus strand). VCF-style: chr12-6341905-A-G. GRCh37 (hg19) VCF-style: chr12-6451071-A-G.
Other names: c.-261T>C (NM_001346091.2); c.-668T>C (NM_001346092.2).
Identifiers: ClinVar variation 4983829 (VCV004983829.1).